The following is an entry in ClinVar:

GRCh38/hg38 15q15.3(chr15:43576373-43700429)x1

Genes: CATSPER2 (cation channel sperm associated 2; minus strand), CKMT1A (creatine kinase, mitochondrial 1A; plus strand), CKMT1B (creatine kinase, mitochondrial 1B; plus strand), PPIP5K1 (diphosphoinositol pentakisphosphate kinase 1; minus strand), STRC (stereocilin; minus strand) and 2 more. Cytogenetic location: 15q15.3.
Variant type: copy number loss.
Change: copy number 1 (one copy instead of two) of chr15:43,576,373-43,700,429 (124.1 kb, GRCh38 coordinates, 1-based), cytogenetic band 15q15.3.
Identifiers: ClinVar variation 4796135 (VCV004796135.1).

ClinVar aggregate classification (germline): Uncertain significance (1 of 4 stars; one submission).

Submission:

Medical Genetic Center, Changzhi Maternal and Child Health Care Hospital
Classification: Uncertain significance. Last evaluated: 2025-12-10. Review status: criteria provided, single submitter. Criteria: ACMG/ClinGen CNV Guidelines, 2019. Collection method: clinical testing. Allele origin: unknown.
Comment: STRC deletion cariirer